The following is an entry in ClinVar:

NM_020719.3(PRR12):c.861G>A (p.Thr287=)

Gene: PRR12 (proline rich 12; plus strand). Cytogenetic location: 19q13.33.
Variant type: single nucleotide variant.
Coding change: c.861G>A on transcript NM_020719.3 (MANE Select); coding-DNA position 861, G replaced by A.
Protein change: p.Thr287=; no amino-acid change (threonine 287 retained).
Molecular consequence: synonymous variant.
Genome position (GRCh38, 1-based): chr19:49,595,196, G>A. VCF-style: chr19-49595196-G-A. GRCh37 (hg19) VCF-style: chr19-50098453-G-A.
Identifiers: ClinVar variation 4533599 (VCV004533599.7).

ClinVar aggregate classification (germline): Likely benign. Review status: criteria provided, multiple submitters, no conflicts (2 of 4 stars). 2 submissions from 2 submitters: Likely benign (2). Last evaluated 2025-11-01.

Submissions (2):

CeGaT Center for Human Genetics Tuebingen
Classification: Likely benign. Last evaluated: 2025-11-01. Review status: criteria provided, single submitter. Criteria: CeGaT Center For Human Genetics Tuebingen Variant Classification Criteria Version 2. Collection method: clinical testing. Allele origin: germline. Affected: yes. Observed: 1 variant allele.
Comment: PRR12: BP4, BP7

Blueprint Genetics
Classification: Likely benign. Last evaluated: 2024-09-03. Review status: criteria provided, single submitter. Criteria: ACMG Guidelines, 2015. Collection method: clinical testing. Allele origin: germline.